The following is an entry in ClinVar:

ClinVar aggregate classification (germline): Uncertain significance (1 of 4 stars; one submission).

Allele frequency attached by ClinVar (database versions not stated): TOPMed below 0.00001.

Submission:

Labcorp Genetics (formerly Invitae), Labcorp
Classification: Uncertain significance. Last evaluated: 2024-10-28. Review status: criteria provided, single submitter. Criteria: Invitae Variant Classification Sherloc (09022015). Collection method: clinical testing. Allele origin: germline.
Comment: This sequence change replaces lysine, which is basic and polar, with arginine, which is basic and polar, at codon 166 of the TANGO2 protein (p.Lys166Arg). This variant is not present in population databases (gnomAD no frequency). This variant has not been reported in the literature in individuals affected with TANGO2-related conditions. ClinVar contains an entry for this variant (Variation ID: 1366059). An algorithm developed to predict the effect of missense changes on protein structure and function (PolyPhen-2) suggests that this variant is likely to be disruptive. In summary, the available evidence is currently insufficient to determine the role of this variant in disease. Therefore, it has been classified as a Variant of Uncertain Significance.

NM_152906.7(TANGO2):c.497A>G (p.Lys166Arg)

Gene: TANGO2 (transport and golgi organization 2 homolog; plus strand). Cytogenetic location: 22q11.21.
Variant type: single nucleotide variant.
Coding change: c.497A>G on transcript NM_152906.7 (MANE Select); coding-DNA position 497, A replaced by G.
Protein change: p.Lys166Arg; replaces lysine 166 with arginine.
Molecular consequence: missense variant. On other transcripts: non-coding transcript variant (3), intron variant (4).
Genome position (GRCh38, 1-based): chr22:20,061,575, A>G. VCF-style: chr22-20061575-A-G. GRCh37 (hg19) VCF-style: chr22-20049098-A-G.
Other names: c.497A>G, p.Lys166Arg (NM_001283106.3, NM_001283116.3, NM_001283148.3 and 2 more transcripts); c.620A>G, p.Lys207Arg (NM_001283129.3, NM_001322141.2, NM_001322143.2 and 1 more transcripts); c.311A>G, p.Lys104Arg (NM_001283179.3, NM_001322163.2, NM_001322166.2 and 3 more transcripts); c.203A>G, p.Lys68Arg (NM_001322150.2, NM_001322153.2, NM_001322155.2 and 6 more transcripts); c.395A>G, p.Lys132Arg (NM_001322160.2, NM_001322146.2, NM_001322148.2); c.381-1763A>G (NM_001283199.3); c.575-2967A>G (NM_001283215.3); c.504-1763A>G (NM_001322149.2); and 2 more; short protein forms K132R, K145R, K166R, K207R, K104R, K68R.
Identifiers: ClinVar variation 1366059 (VCV001366059.8), dbSNP rs926337141, ClinGen allele CA322143403.